The following is an entry in ClinVar:

ClinVar aggregate classification (germline): Uncertain significance (1 of 4 stars; one submission).

Conditions:
Alport syndrome. Also called: Hemorrhagic familial nephritis; Hemorrhagic hereditary nephritis; Congenital hereditary hematuria. Identifiers: Orphanet 63, MedGen C1567741, MONDO:0018965.

Submission:

Myriad Genetics, Inc.
Classification: Uncertain significance for Alport syndrome. Last evaluated: 2026-02-13. Review status: criteria provided, single submitter. Criteria: Myriad Autosomal Dominant, Autosomal Recessive and X-Linked Classification Criteria (2023). Collection method: clinical testing. Allele origin: unknown.
Comment: NM_000092.4(COL4A4):c.919C>T(P307S) is a missense variant classified as a variant of uncertain significance in the context of Alport syndrome, COL4A4-related. P307S has been observed in a case with relevant disease (PMID: 24854265). Relevant functional assessments of this variant are not available in the literature. P307S has not been observed in referenced population frequency databases. In summary, there is insufficient evidence to classify NM_000092.4(COL4A4):c.919C>T(P307S) as pathogenic or benign. Please note: this variant was assessed in the context of healthy population screening.

Literature cited by the submitters: PubMed 24854265.

NM_000092.5(COL4A4):c.919C>T (p.Pro307Ser)

Gene: COL4A4 (collagen type IV alpha 4 chain; minus strand). Cytogenetic location: 2q36.3.
Variant type: single nucleotide variant.
Coding change: c.919C>T on transcript NM_000092.5 (MANE Select); coding-DNA position 919, C replaced by T.
Protein change: p.Pro307Ser; replaces proline 307 with serine.
Molecular consequence: missense variant.
Genome position (GRCh38, 1-based): chr2:227,102,800, G>A on the plus strand (C>T on the coding strand, the complement: COL4A4 is on the minus strand). VCF-style: chr2-227102800-G-A. GRCh37 (hg19) VCF-style: chr2-227967516-G-A.
Other names: short protein forms P307S.
Identifiers: ClinVar variation 5003278 (VCV005003278.1).